The following is an entry in ClinVar:

ClinVar aggregate classification (germline): Pathogenic (1 of 4 stars; one submission).

Conditions:
Dyskeratosis congenita, autosomal recessive 5 (DKCB5). Identifiers: MedGen C3554656, MONDO:0014076, OMIM 615190.
Pulmonary fibrosis and/or bone marrow failure, Telomere-related, 3. Also called: PULMONARY FIBROSIS AND/OR BONE MARROW FAILURE SYNDROME, TELOMERE-RELATED, 3. Identifiers: Orphanet 2032, MedGen C4225346, MONDO:0014613, OMIM 616373.

Submission:

Labcorp Genetics (formerly Invitae), Labcorp
Classification: Pathogenic for Dyskeratosis congenita, autosomal recessive 5; Pulmonary fibrosis and/or bone marrow failure, Telomere-related, 3. Last evaluated: 2022-02-03. Review status: criteria provided, single submitter. Criteria: Invitae Variant Classification Sherloc (09022015). Collection method: clinical testing. Allele origin: germline.
Comment: For these reasons, this variant has been classified as Pathogenic. ClinVar contains an entry for this variant (Variation ID: 842863). This variant is also known as c.3361delG (p.A1121LfsX6). This premature translational stop signal has been observed in individual(s) with dyskeratosis congenita (PMID: 27824607). This variant is not present in population databases (gnomAD no frequency). This sequence change creates a premature translational stop signal (p.Ala1097Leufs*6) in the RTEL1 gene. It is expected to result in an absent or disrupted protein product. Loss-of-function variants in RTEL1 are known to be pathogenic (PMID: 23453664, 23959892, 25607374).

Literature cited by the submitters: PubMed 27824607; PubMed 23453664; PubMed 23959892; PubMed 25607374.

NM_001283009.2(RTEL1):c.3289del (p.Ala1097fs)

Genes: RTEL1 (regulator of telomere elongation helicase 1; plus strand), RTEL1-TNFRSF6B (RTEL1-TNFRSF6B readthrough (NMD candidate); plus strand). Cytogenetic location: 20q13.33.
Variant type: Deletion.
Coding change: c.3289del on transcript NM_001283009.2 (MANE Select); coding-DNA position 3289, one base deleted (G; older notation c.3289delG).
Protein change: p.Ala1097fs; shifts the reading frame from alanine 1097.
Molecular consequence: frameshift variant. On other transcripts: non-coding transcript variant (1).
Genome position (GRCh38, 1-based): chr20:63,694,920, G deleted; the last of 2 consecutive G bases (chr20:63,694,919-63,694,920); deleting either gives the same sequence. VCF-style (leftmost placement, unchanged base first): chr20-63694918-TG-T. GRCh37 (hg19) VCF-style: chr20-62326271-TG-T.
Other names: c.2620del, p.Ala874fs (NM_001283010.1); c.3289del, p.Ala1097fs (NM_016434.4); c.3361del, p.Ala1121fs (NM_032957.5); short protein forms A874fs, A1097fs, A1121fs.
Identifiers: ClinVar variation 842863 (VCV000842863.10), dbSNP rs2090933372, ClinGen allele CA916083774.